The following is an entry in ClinVar:

ClinVar aggregate classification (germline): Uncertain significance (1 of 4 stars; one submission).

Submission:

Labcorp Genetics (formerly Invitae), Labcorp
Classification: Uncertain significance. Last evaluated: 2025-09-15. Review status: criteria provided, single submitter. Criteria: Invitae Variant Classification Sherloc (09022015). Collection method: clinical testing. Allele origin: germline.
Comment: This sequence change falls in intron 2 of the TALDO1 gene. It does not directly change the encoded amino acid sequence of the TALDO1 protein. This variant is not present in population databases (gnomAD no frequency). This variant has not been reported in the literature in individuals affected with TALDO1-related conditions. Experimental studies and prediction algorithms are not available or were not evaluated, and the effect of this variant on mRNA splicing is currently unknown. In summary, the available evidence is currently insufficient to determine the role of this variant in disease. Therefore, it has been classified as a Variant of Uncertain Significance.

NM_006755.2(TALDO1):c.221+13_221+35del

Gene: TALDO1 (transaldolase 1; plus strand). Cytogenetic location: 11p15.5.
Variant type: Deletion.
Coding change: c.221+13_221+35del on transcript NM_006755.2 (MANE Select); bases 13 to 35 of the intron after coding-DNA position 221, 23 bases deleted (ACTCGGGAGGGTCCCAGCTAGGC).
Molecular consequence: intron variant.
Genome position (GRCh38, 1-based): chr11:756,015-756,037, ACTCGGGAGGGTCCCAGCTAGGC deleted. VCF-style (leftmost placement, unchanged base first): chr11-756014-GACTCGGGAGGGTCCCAGCTAGGC-G. GRCh37 (hg19) VCF-style: chr11-756014-GACTCGGGAGGGTCCCAGCTAGGC-G.
Identifiers: ClinVar variation 4765346 (VCV004765346.1).